The following is an entry in ClinVar:

NM_013275.6(ANKRD11):c.5738C>A (p.Thr1913Asn)

Gene: ANKRD11 (ankyrin repeat domain 11; minus strand). Cytogenetic location: 16q24.3.
Variant type: single nucleotide variant.
Coding change: c.5738C>A on transcript NM_013275.6 (MANE Select); coding-DNA position 5738, C replaced by A.
Protein change: p.Thr1913Asn; replaces threonine 1913 with asparagine.
Molecular consequence: missense variant.
Genome position (GRCh38, 1-based): chr16:89,280,804, G>T on the plus strand (C>A on the coding strand, the complement: ANKRD11 is on the minus strand). VCF-style: chr16-89280804-G-T. GRCh37 (hg19) VCF-style: chr16-89347212-G-T.
Other names: c.5738C>A, p.Thr1913Asn (NM_001256182.2, NM_001256183.2); c.5738C>A (NM_013275.4); short protein forms T1913N.
Identifiers: ClinVar variation 585414 (VCV000585414.48), dbSNP rs142373563, ClinGen allele CA8241738.

ClinVar aggregate classification (germline): Benign/Likely benign. Review status: criteria provided, multiple submitters, no conflicts (2 of 4 stars). 10 submissions from 10 submitters: Benign (4); Likely benign (5). 1 of the submissions does not count toward it. Last evaluated 2026-02-01.

Conditions:
ANKRD11-related disorder. Also called: ANKRD11-related condition.
Inborn genetic diseases. Identifiers: MedGen C0950123, MeSH D030342.
KBG syndrome (KBGS). Also called: ANKRD11-Related KBG Syndrome. Identifiers: Orphanet 2332, MedGen C0220687, MONDO:0007846, OMIM 148050.

Allele frequency attached by ClinVar (database versions not stated): gnomAD exomes 0.00024; ExAC 0.00034; ESP Exome Variant Server 0.00062; TOPMed 0.00128; gnomAD 0.00156; 1000 Genomes Project 0.00220; 1000 Genomes Project 30x 0.00234.
gnomAD v4.1: 394 of 1,609,356 alleles (0.024%); highest among the groups gnomAD compares: African/African-American, 0.45%; no homozygotes.

Submissions (10):

CeGaT Center for Human Genetics Tuebingen
Classification: Benign. Last evaluated: 2026-02-01. Review status: criteria provided, single submitter. Criteria: CeGaT Center For Human Genetics Tuebingen Variant Classification Criteria Version 2. Collection method: clinical testing. Allele origin: germline. Affected: yes. Observed: 3 variant alleles.
Comment: ANKRD11: BS1, BS2

Labcorp Genetics (formerly Invitae), Labcorp
Classification: Likely benign for KBG syndrome. Last evaluated: 2025-12-08. Review status: criteria provided, single submitter. Criteria: Invitae Variant Classification Sherloc (09022015). Collection method: clinical testing. Allele origin: germline.

Ambry Genetics
Classification: Likely benign for Inborn genetic diseases. Last evaluated: 2025-08-20. Review status: criteria provided, single submitter. Criteria: Ambry Variant Classification Scheme 2023. Collection method: clinical testing. Allele origin: germline.

Blueprint Genetics
Classification: Likely benign. Last evaluated: 2024-09-02. Review status: criteria provided, single submitter. Criteria: ACMG Guidelines, 2015. Collection method: clinical testing. Allele origin: germline.

Genome-Nilou Lab
Classification: Benign for KBG syndrome. Last evaluated: 2021-12-05. Review status: criteria provided, single submitter. Criteria: ACMG Guidelines, 2015. Collection method: clinical testing. Allele origin: germline. Affected: no.

Department of Pathology and Laboratory Medicine, Sinai Health System
Classification: Likely benign for KBG syndrome. Last evaluated: 2021-07-30. Review status: criteria provided, single submitter. Criteria: ACMG Guidelines, 2015. Collection method: research. Allele origin: germline.

GeneDx
Classification: Benign. Last evaluated: 2019-09-25. Review status: criteria provided, single submitter. Criteria: GeneDx Variant Classification Process June 2021. Collection method: clinical testing. Allele origin: germline. Affected: yes.

Athena Diagnostics
Classification: Benign. Last evaluated: 2017-11-30. Review status: criteria provided, single submitter. Criteria: Athena Diagnostics Criteria. Collection method: clinical testing. Allele origin: germline.

Breakthrough Genomics
Classification: Likely benign. Review status: criteria provided, single submitter. Criteria: ACMG Guidelines, 2015. Collection method: not provided. Allele origin: germline. Inheritance: Autosomal dominant inheritance. Affected: yes.

PreventionGenetics, part of Exact Sciences
Classification: Benign for ANKRD11-related condition. Last evaluated: 2020-01-28. Review status: no assertion criteria provided. Collection method: clinical testing. Allele origin: germline. Not counted in ClinVar's aggregate classification.
Comment: This variant is classified as benign based on ACMG/AMP sequence variant interpretation guidelines (Richards et al. 2015 PMID: 25741868, with internal and published modifications).